The following is an entry in ClinVar:

ClinVar aggregate classification (germline): Uncertain significance (1 of 4 stars; one submission).

Conditions:
Hereditary sensory and autonomic neuropathy type 7. Also called: Neuropathy, hereditary sensory and autonomic, type VII; HSAN VII. Identifiers: Orphanet 391397, MedGen C3809882, MONDO:0014244, OMIM 615548.
Familial episodic pain syndrome with predominantly lower limb involvement. Also called: Episodic pain syndrome, familial, 3. Identifiers: Orphanet 391384, Orphanet 391392, MedGen C3809899, MONDO:0014247, OMIM 615552.

Allele frequency attached by ClinVar (database versions not stated): gnomAD 0.00001; gnomAD exomes 0.00001 and 0.00002; TOPMed 0.00001; ExAC 0.00002.
gnomAD v4.1: 4 of 1,613,110 alleles (0.00025%); highest among the groups gnomAD compares: Admixed American, 0.0033%; no homozygotes.

Submission:

Labcorp Genetics (formerly Invitae), Labcorp
Classification: Uncertain significance for Familial episodic pain syndrome with predominantly lower limb involvement; Hereditary sensory and autonomic neuropathy type 7. Last evaluated: 2024-07-24. Review status: criteria provided, single submitter. Criteria: Invitae Variant Classification Sherloc (09022015). Collection method: clinical testing. Allele origin: germline.
Comment: This sequence change affects an acceptor splice site in intron 5 of the SCN11A gene. It is expected to disrupt RNA splicing. Variants that disrupt the donor or acceptor splice site typically lead to a loss of protein function (PMID: 16199547), however the current clinical and genetic evidence is not sufficient to establish whether loss-of-function variants in SCN11A cause disease. This variant is present in population databases (rs779935698, gnomAD 0.006%). This variant has not been reported in the literature in individuals affected with SCN11A-related conditions. ClinVar contains an entry for this variant (Variation ID: 541580). Algorithms developed to predict the effect of sequence changes on RNA splicing suggest that this variant may disrupt the consensus splice site. In summary, the available evidence is currently insufficient to determine the role of this variant in disease. Therefore, it has been classified as a Variant of Uncertain Significance.

Literature cited by the submitters: PubMed 16199547.

NM_001349253.2(SCN11A):c.713-2A>G

Gene: SCN11A (sodium voltage-gated channel alpha subunit 11; minus strand). Cytogenetic location: 3p22.2.
Variant type: single nucleotide variant.
Coding change: c.713-2A>G on transcript NM_001349253.2 (MANE Select); the canonical splice acceptor site of the intron before coding-DNA position 713, A replaced by G.
Molecular consequence: splice acceptor variant.
Genome position (GRCh38, 1-based): chr3:38,921,257, T>C on the plus strand (A>G on the coding strand, the complement: SCN11A is on the minus strand). VCF-style: chr3-38921257-T-C. GRCh37 (hg19) VCF-style: chr3-38962748-T-C.
Other names: c.713-2A>G (NM_014139.3).
Identifiers: ClinVar variation 541580 (VCV000541580.6), dbSNP rs779935698, ClinGen allele CA2322524.
Genomic context (GRCh38, chr3:38,921,257, plus strand): 5'-AATCACGTTGACCAGCTTCTTCACAGAGCGTAGCAAGGCCCCCACGATGACCTTCAGACC[T>C]GAGAAAGAGGACAGGCTTGGGGAGAAGCCCATCCCCCTCAGCCAGACACTCACAAAGGCC-3'